The following is an entry in ClinVar:

ClinVar aggregate classification (germline): Pathogenic (1 of 4 stars; one submission).

Submission:

Labcorp Genetics (formerly Invitae), Labcorp
Classification: Pathogenic. Last evaluated: 2019-12-11. Review status: criteria provided, single submitter. Criteria: Invitae Variant Classification Sherloc (09022015). Collection method: clinical testing. Allele origin: germline.
Comment: For these reasons, this variant has been classified as Pathogenic. Loss-of-function variants in COL4A5 are known to be pathogenic (PMID: 9195222, 10752524, 14514738, 24854265, 26809805). This variant has not been reported in the literature in individuals with COL4A5-related conditions. This variant is not present in population databases (ExAC no frequency). This sequence change creates a premature translational stop signal (p.Lys1553Argfs*21) in the COL4A5 gene. It is expected to result in an absent or disrupted protein product.

Literature cited by the submitters: PubMed 9195222; PubMed 10752524; PubMed 14514738; PubMed 24854265; PubMed 26809805.

NM_033380.3(COL4A5):c.4676del (p.Lys1559fs)

Gene: COL4A5 (collagen type IV alpha 5 chain; plus strand). Cytogenetic location: Xq22.3.
Variant type: Deletion.
Coding change: c.4676del on transcript NM_033380.3 (MANE Select); coding-DNA position 4676, one base deleted (A; older notation c.4676delA).
Protein change: p.Lys1559fs; shifts the reading frame from lysine 1559.
Molecular consequence: frameshift variant.
Genome position (GRCh38, 1-based): chrX:108,692,895, A deleted; the last of 3 consecutive A bases (chrX:108,692,893-108,692,895); deleting any one gives the same sequence. VCF-style (leftmost placement, unchanged base first): chrX-108692892-TA-T. GRCh37 (hg19) VCF-style: chrX-107936122-TA-T.
Other names: c.4658del, p.Lys1553fs (NM_000495.5); short protein forms K1553fs, K1559fs.
Identifiers: ClinVar variation 864615 (VCV000864615.7), dbSNP rs2068659829, ClinGen allele CA916083994.